The following is an entry in ClinVar:

NM_000294.3(PHKG2):c.643G>A (p.Asp215Asn)

Gene: PHKG2 (phosphorylase kinase catalytic subunit gamma 2; plus strand). Cytogenetic location: 16p11.2.
Variant type: single nucleotide variant.
Coding change: c.643G>A on transcript NM_000294.3 (MANE Select); coding-DNA position 643, G replaced by A.
Protein change: p.Asp215Asn; replaces aspartic acid 215 with asparagine.
Molecular consequence: missense variant.
Genome position (GRCh38, 1-based): chr16:30,756,268, G>A. VCF-style: chr16-30756268-G-A. GRCh37 (hg19) VCF-style: chr16-30767589-G-A.
Other names: c.643G>A, p.Asp215Asn (NM_001172432.2); short protein forms D215N.
Identifiers: ClinVar variation 998119 (VCV000998119.6), dbSNP rs767427889, ClinGen allele CA8013255.

ClinVar aggregate classification (germline): Pathogenic/Likely pathogenic. Review status: criteria provided, multiple submitters, no conflicts (2 of 4 stars). 3 submissions from 3 submitters: Pathogenic (1); Likely pathogenic (2). Last evaluated 2025-02-05.

Conditions:
Glycogen phosphorylase kinase deficiency. Also called: Phosphorylase Kinase Deficiency; Glycogen Storage Disease Type IX. Identifiers: Orphanet 370, MedGen C0268147, MONDO:0700291.
Glycogen storage disease IXc (GSD9C). Also called: GSD IXc. Identifiers: Orphanet 264580, MedGen C2751643, MONDO:0013091, OMIM 613027.

Allele frequency attached by ClinVar (database versions not stated): gnomAD 0.00001; gnomAD exomes 0.00001 and 0.00003; TOPMed 0.00001; ExAC 0.00003.
gnomAD v4.1: 19 of 1,613,908 alleles (0.0012%); highest among the groups gnomAD compares: East Asian, 0.0022%; no homozygotes.

Submissions (3):

Women's Health and Genetics/Laboratory Corporation of America, LabCorp
Classification: Likely pathogenic for Glycogen phosphorylase kinase deficiency. Last evaluated: 2025-02-05. Review status: criteria provided, single submitter. Criteria: LabCorp Variant Classification Summary - May 2015. Collection method: clinical testing. Allele origin: germline.
Comment: Variant summary: PHKG2 c.643G>A (p.Asp215Asn) results in a conservative amino acid change located in the Protein kinase domain (IPR000719) of the encoded protein sequence. Four of five in-silico tools predict a damaging effect of the variant on protein function. The variant allele was found at a frequency of 2.8e-05 in 251486 control chromosomes. c.643G>A has been reported in the literature in individuals (both homozygous and compound heterozygous) affected with Glycogen Phosphorylase Kinase Deficiency (Burwinkel_2003, Roscher_2014, Kumar_2022). These data indicate that the variant may be associated with disease. Enzymatic activity from patient derived erythrocytes from homozygous patient show reduced activity (Burwinkel_2003). The variant was also reported in an animal model of PHKG2-mutatnt PhK deficiency (gsd rat) without providing further biochemical/functional details (Maichele_1996). The following publications have been ascertained in the context of this evaluation (PMID: 12930917, 35834487, 8896567, 25266922). ClinVar contains an entry for this variant (Variation ID: 998119). Based on the evidence outlined above, the variant was classified as likely pathogenic.

Labcorp Genetics (formerly Invitae), Labcorp
Classification: Likely pathogenic for Glycogen storage disease IXc. Last evaluated: 2023-12-18. Review status: criteria provided, single submitter. Criteria: Invitae Variant Classification Sherloc (09022015). Collection method: clinical testing. Allele origin: germline.
Comment: This sequence change replaces aspartic acid, which is acidic and polar, with asparagine, which is neutral and polar, at codon 215 of the PHKG2 protein (p.Asp215Asn). This variant is present in population databases (rs767427889, gnomAD 0.006%). This missense change has been observed in individuals with glycogen storage disease, (PMID: 12930917, 25266922, 35834487). ClinVar contains an entry for this variant (Variation ID: 998119). Advanced modeling of protein sequence and biophysical properties (such as structural, functional, and spatial information, amino acid conservation, physicochemical variation, residue mobility, and thermodynamic stability) performed at Invitae indicates that this missense variant is expected to disrupt PHKG2 protein function with a positive predictive value of 80%. Experimental studies have shown that this missense change affects PHKG2 function (PMID: 8896567). In summary, the currently available evidence indicates that the variant is pathogenic, but additional data are needed to prove that conclusively. Therefore, this variant has been classified as Likely Pathogenic.

Centre for Human Genetics
Classification: Pathogenic for Glycogen storage disease IXc. Last evaluated: 2020-08-27. Review status: criteria provided, single submitter. Criteria: ACMG Guidelines, 2015. Collection method: clinical testing. Allele origin: inherited. Inheritance: Autosomal recessive inheritance. Affected: yes. Observed: 1 variant allele.
Comment: disease causing

Literature cited by the submitters: PubMed 25266922 (cited by Women's Health and Genetics/Laboratory Corporation of America, LabCorp and Labcorp Genetics (formerly Invitae), Labcorp); PubMed 12930917 (cited by Women's Health and Genetics/Laboratory Corporation of America, LabCorp and Labcorp Genetics (formerly Invitae), Labcorp); PubMed 8896567 (cited by Women's Health and Genetics/Laboratory Corporation of America, LabCorp and Labcorp Genetics (formerly Invitae), Labcorp); PubMed 35834487 (cited by Women's Health and Genetics/Laboratory Corporation of America, LabCorp and Labcorp Genetics (formerly Invitae), Labcorp).